The following is an entry in ClinVar:

ClinVar aggregate classification (germline): Likely pathogenic (1 of 4 stars; one submission).

Submission:

Labcorp Genetics (formerly Invitae), Labcorp
Classification: Likely pathogenic. Last evaluated: 2025-04-20. Review status: criteria provided, single submitter. Criteria: Invitae Variant Classification Sherloc (09022015). Collection method: clinical testing. Allele origin: germline.
Comment: This sequence change affects a donor splice site in intron 1 of the PDGFB gene. It is expected to disrupt RNA splicing. Variants that disrupt the donor or acceptor splice site typically lead to a loss of protein function (PMID: 16199547), and loss-of-function variants in PDGFB are known to be pathogenic (PMID: 23913003, 26599395). This variant is not present in population databases (gnomAD no frequency). Disruption of this splice site has been observed in individual(s) with PDGFB-related conditions (internal data). Algorithms developed to predict the effect of sequence changes on RNA splicing suggest that this variant may disrupt the consensus splice site. In summary, the currently available evidence indicates that the variant is pathogenic, but additional data are needed to prove that conclusively. Therefore, this variant has been classified as Likely Pathogenic.

Literature cited by the submitters: PubMed 16199547; PubMed 23913003; PubMed 26599395.

NM_002608.4(PDGFB):c.63+1G>A

Gene: PDGFB (platelet derived growth factor subunit B; minus strand). Cytogenetic location: 22q13.1.
Variant type: single nucleotide variant.
Coding change: c.63+1G>A on transcript NM_002608.4 (MANE Select); the canonical splice donor site of the intron after coding-DNA position 63, G replaced by A.
Molecular consequence: splice donor variant.
Genome position (GRCh38, 1-based): chr22:39,243,900, C>T on the plus strand (G>A on the coding strand, the complement: PDGFB is on the minus strand). VCF-style: chr22-39243900-C-T. GRCh37 (hg19) VCF-style: chr22-39639905-C-T.
Identifiers: ClinVar variation 4718018 (VCV004718018.1).